The following is an entry in ClinVar:

NM_001851.6(COL9A1):c.2561C>T (p.Pro854Leu)

Gene: COL9A1 (collagen type IX alpha 1 chain; minus strand). Cytogenetic location: 6q13.
Variant type: single nucleotide variant.
Coding change: c.2561C>T on transcript NM_001851.6 (MANE Select); coding-DNA position 2561, C replaced by T.
Protein change: p.Pro854Leu; replaces proline 854 with leucine.
Molecular consequence: missense variant. On other transcripts: non-coding transcript variant (1).
Genome position (GRCh38, 1-based): chr6:70,225,952, G>A on the plus strand (C>T on the coding strand, the complement: COL9A1 is on the minus strand). VCF-style: chr6-70225952-G-A. GRCh37 (hg19) VCF-style: chr6-70935655-G-A.
Other names: c.1862C>T, p.Pro621Leu (NM_001377289.1); c.1685C>T, p.Pro562Leu (NM_001377290.1); c.1832C>T, p.Pro611Leu (NM_078485.4); short protein forms P621L, P611L, P562L, P854L.
Identifiers: ClinVar variation 1502269 (VCV001502269.6), dbSNP rs761742449, ClinGen allele CA3881735.
Genomic context (GRCh38, chr6:70,225,952, plus strand): 5'-ATTTCGCTACCTCCTCCTCTCAGCTATACAACACACTTACCTGGGAGACCTATAGCTCCA[G>A]GCAAACCGTTGGGACCTCTTCCTGGAGGGCCACGCTCCCCCTTTTCTCCCAAGTCACCTG-3'
Protein context (NP_001842.3, residues 844-864): GPPGRGPNGL[Pro854Leu]GAIGLPGDPG

ClinVar aggregate classification (germline): Uncertain significance (1 of 4 stars; one submission).

Allele frequency attached by ClinVar (database versions not stated): ExAC 0.00001.
gnomAD v4.1: 3 of 1,613,920 alleles (0.00019%); highest among the groups gnomAD compares: South Asian, 0.0033%; no homozygotes.

Submission:

Labcorp Genetics (formerly Invitae), Labcorp
Classification: Uncertain significance. Last evaluated: 2025-09-08. Review status: criteria provided, single submitter. Criteria: Invitae Variant Classification Sherloc (09022015). Collection method: clinical testing. Allele origin: germline.
Comment: This sequence change replaces proline, which is neutral and non-polar, with leucine, which is neutral and non-polar, at codon 854 of the COL9A1 protein (p.Pro854Leu). This variant is present in population databases (rs761742449, gnomAD 0.006%). This variant has not been reported in the literature in individuals affected with COL9A1-related conditions. ClinVar contains an entry for this variant (Variation ID: 1502269). Invitae Evidence Modeling of protein sequence and biophysical properties (such as structural, functional, and spatial information, amino acid conservation, physicochemical variation, residue mobility, and thermodynamic stability) indicates that this missense variant is not expected to disrupt COL9A1 protein function with a negative predictive value of 95%. In summary, the available evidence is currently insufficient to determine the role of this variant in disease. Therefore, it has been classified as a Variant of Uncertain Significance.